The following is an entry in ClinVar:

ClinVar aggregate classification (germline): Pathogenic/Likely pathogenic. Review status: criteria provided, multiple submitters, no conflicts (2 of 4 stars). 4 submissions from 3 submitters: Pathogenic (1); Likely pathogenic (3). Last evaluated 2022-01-03.

Conditions:
Retinal dystrophy. Also called: Inherited retinal dystrophy. Identifiers: Orphanet 71862, MedGen C0854723, MeSH D058499, MONDO:0019118, HP:0000556.
Severe early-childhood-onset retinal dystrophy (STGD1). Also called: Stargardt macular dystrophy; Juvenile onset macular degeneration; Stargardt disease 1; STGD; MACULAR DYSTROPHY WITH FLECKS, TYPE 1. Identifiers: Orphanet 364055, Orphanet 827, MedGen C1855465, MeSH D000080362, MONDO:0009549, OMIM 248200.

Submissions (4):

3billion
Classification: Likely pathogenic for Severe early-childhood-onset retinal dystrophy. Last evaluated: 2022-01-03. Review status: criteria provided, single submitter. Criteria: ACMG Guidelines, 2015. Collection method: clinical testing. Allele origin: germline. Affected: yes. Observed: 1 heterozygote.
Comment: Same nucleotide change resulting in same amino acid change has been previously reported to be associated with ABCA4 related disorder (ClinVar ID: VCV000236134, PMID:28118664, PS1_P). A different missense change at the same codon has been reported as pathogenic/likely pathogenic with strong evidence (ClinVar ID: VCV000099380,VCV000236133, PMID:9973280,15192030,23755871, PM5_M). In silico tool predictions suggest damaging effect of the variant on gene or gene product (REVEL: 0.933, 3CNET: 0.976, PP3_P). A missense variant is a common mechanism associated with Stargardt disease 1 (PP2_P). It is not observed in the gnomAD v2.1.1 dataset (PM2_M). Therefore, this variant is classified as likely pathogenic according to the recommendation of ACMG/AMP guideline.

Labcorp Genetics (formerly Invitae), Labcorp
Classification: Pathogenic. Last evaluated: 2021-09-29. Review status: criteria provided, single submitter. Criteria: Invitae Variant Classification Sherloc (09022015). Collection method: clinical testing. Allele origin: germline.
Comment: This sequence change replaces histidine with arginine at codon 1838 of the ABCA4 protein (p.His1838Arg). The histidine residue is highly conserved and there is a small physicochemical difference between histidine and arginine. This variant is not present in population databases (ExAC no frequency). This missense change has been observed in individuals with Stargardt disease (PMID: 28118664; Invitae). ClinVar contains an entry for this variant (Variation ID: 236134). Advanced modeling of protein sequence and biophysical properties (such as structural, functional, and spatial information, amino acid conservation, physicochemical variation, residue mobility, and thermodynamic stability) performed at Invitae indicates that this missense variant is expected to disrupt ABCA4 protein function. Experimental studies have shown that this missense change affects ABCA4 function (PMID: 33375396). This variant disrupts the p.His1838 amino acid residue in ABCA4. Other variant(s) that disrupt this residue have been determined to be pathogenic (PMID: 28771251; Invitae). This suggests that this residue is clinically significant, and that variants that disrupt this residue are likely to be disease-causing. For these reasons, this variant has been classified as Pathogenic.

Institute of Human Genetics, Univ. Regensburg, Univ. Regensburg
Classification: Likely pathogenic for Retinal dystrophy. Last evaluated: 2019-01-01. Review status: criteria provided, single submitter. Criteria: ACMG Guidelines, 2015. Collection method: clinical testing. Allele origin: germline. Affected: yes.

Institute of Human Genetics, Univ. Regensburg, Univ. Regensburg
Classification: Likely pathogenic for Severe early-childhood-onset retinal dystrophy. Last evaluated: 2016-01-01. Review status: criteria provided, single submitter. Criteria: Schulz et al. (Invest Ophthalmol Vis Sci. 2017). Collection method: clinical testing. Allele origin: germline. Affected: yes. Observed: 1 heterozygote.

Literature cited by the submitters: PubMed 9973280 (cited by 3billion); PubMed 28118664 (cited by 3 submitters); PubMed 33375396 (cited by Labcorp Genetics (formerly Invitae), Labcorp); PubMed 28771251 (cited by Labcorp Genetics (formerly Invitae), Labcorp); PubMed 3337539 (cited by Institute of Human Genetics, Univ. Regensburg, Univ. Regensburg).

NM_000350.3(ABCA4):c.5513A>G (p.His1838Arg)

Gene: ABCA4 (ATP binding cassette subfamily A member 4; minus strand). Cytogenetic location: 1p22.1.
Variant type: single nucleotide variant.
Coding change: c.5513A>G on transcript NM_000350.3 (MANE Select); coding-DNA position 5513, A replaced by G.
Protein change: p.His1838Arg; replaces histidine 1838 with arginine.
Molecular consequence: missense variant.
Genome position (GRCh38, 1-based): chr1:94,011,333, T>C on the plus strand (A>G on the coding strand, the complement: ABCA4 is on the minus strand). VCF-style: chr1-94011333-T-C. GRCh37 (hg19) VCF-style: chr1-94476889-T-C.
Other names: c.5291A>G, p.His1764Arg (NM_001425324.1); short protein forms H1838R, H1764R.
Identifiers: ClinVar variation 236134 (VCV000236134.10), dbSNP rs886044752, ClinGen allele CA10602417.